The following is an entry in ClinVar:

ClinVar aggregate classification (germline): Uncertain significance. Review status: criteria provided, multiple submitters, no conflicts (2 of 4 stars). 2 submissions from 2 submitters: Uncertain significance (2). Last evaluated 2023-05-23.

Conditions:
Inborn genetic diseases. Identifiers: MedGen C0950123, MeSH D030342.

Allele frequency attached by ClinVar (database versions not stated): ExAC 0.00008; gnomAD 0.00008; TOPMed 0.00009; ESP Exome Variant Server 0.00015.
gnomAD v4.1: 132 of 1,613,966 alleles (0.0082%); highest among the groups gnomAD compares: African/African-American, 0.012%; no homozygotes.

Submissions (2):

Labcorp Genetics (formerly Invitae), Labcorp
Classification: Uncertain significance. Last evaluated: 2023-05-23. Review status: criteria provided, single submitter. Criteria: Invitae Variant Classification Sherloc (09022015). Collection method: clinical testing. Allele origin: germline.
Comment: This sequence change replaces glutamic acid, which is acidic and polar, with lysine, which is basic and polar, at codon 479 of the KRT6C protein (p.Glu479Lys). In summary, the available evidence is currently insufficient to determine the role of this variant in disease. Therefore, it has been classified as a Variant of Uncertain Significance. Advanced modeling of protein sequence and biophysical properties (such as structural, functional, and spatial information, amino acid conservation, physicochemical variation, residue mobility, and thermodynamic stability) performed at Invitae indicates that this missense variant is not expected to disrupt KRT6C protein function. ClinVar contains an entry for this variant (Variation ID: 2371361). This variant has not been reported in the literature in individuals affected with KRT6C-related conditions. This variant is present in population databases (rs143419682, gnomAD 0.01%).

Ambry Genetics
Classification: Uncertain significance for Inborn genetic diseases. Last evaluated: 2022-06-24. Review status: criteria provided, single submitter. Criteria: Ambry Variant Classification Scheme 2023. Collection method: clinical testing. Allele origin: germline.

NM_173086.5(KRT6C):c.1435G>A (p.Glu479Lys)

Gene: KRT6C (keratin 6C; minus strand). Cytogenetic location: 12q13.13.
Variant type: single nucleotide variant.
Coding change: c.1435G>A on transcript NM_173086.5 (MANE Select); coding-DNA position 1435, G replaced by A.
Protein change: p.Glu479Lys; replaces glutamic acid 479 with lysine.
Molecular consequence: missense variant.
Genome position (GRCh38, 1-based): chr12:52,469,435, C>T on the plus strand (G>A on the coding strand, the complement: KRT6C is on the minus strand). VCF-style: chr12-52469435-C-T. GRCh37 (hg19) VCF-style: chr12-52863219-C-T.
Other names: short protein forms E479K.
Identifiers: ClinVar variation 2371361 (VCV002371361.5), dbSNP rs143419682, ClinGen allele CA6581105.
Genomic context (GRCh38, chr12:52,469,435, plus strand): 5'-CGAGGGCAGGGGAGGAAGGCAAGCAAAGGTACTTACAGACGTTGACTTGTCCAACGCCTT[C>T]GCCATTCAGCCTGTGGAGAGGAACACAGGGAGGGTGAGACCTCAGAGAGCTCTTCCTTCC-3'
Protein context (NP_775109.2, residues 469-489): LEGEECRLNG[Glu479Lys]GVGQVNVSVV